The following is an entry in ClinVar:

ClinVar aggregate classification (germline): Pathogenic (1 of 4 stars; one submission).

Conditions:
Cardiomyopathy (CMYO). Also called: Cardiomyopathies. Identifiers: Orphanet 167848, MedGen C0878544, MONDO:0004994, HP:0001638. Inheritance: Various modes of inheritance.

Submission:

Color Diagnostics, LLC DBA Color Health
Classification: Pathogenic for Cardiomyopathy. Last evaluated: 2025-07-02. Review status: criteria provided, single submitter. Criteria: ACMG Guidelines, 2015. Collection method: clinical testing. Allele origin: germline.
Comment: This variant inserts 1 nucleotide in exon 23 of the DSP gene, creating a frameshift and premature translation stop signal. This variant is expected to result in an absent or non-functional protein product. To our knowledge, this variant has not been reported in individuals affected with DSP-related disorders in the literature. This variant has not been identified in the general population by the Genome Aggregation Database (gnomAD). Loss of DSP function is a known mechanism of disease. Based on the available evidence, this variant is classified as Pathogenic.

NM_004415.4(DSP):c.4633dup (p.Val1545fs)

Gene: DSP (desmoplakin; plus strand). Cytogenetic location: 6p24.3.
Variant type: Duplication.
Coding change: c.4633dup on transcript NM_004415.4 (MANE Select); coding-DNA position 4633, one base duplicated (G; older notation c.4633dupG).
Protein change: p.Val1545fs; shifts the reading frame from valine 1545.
Molecular consequence: frameshift variant. On other transcripts: intron variant (2).
Genome position (GRCh38, 1-based): chr6:7,580,823, G duplicated; the last of 3 consecutive G bases (chr6:7,580,821-7,580,823); duplicating any one gives the same sequence. VCF-style (leftmost placement, unchanged base first): chr6-7580820-A-AG. GRCh37 (hg19) VCF-style: chr6-7581053-A-AG.
Other names: c.4050+583dup (NM_001319034.2); c.3582+1051dup (NM_001008844.3); short protein forms V1545fs.
Identifiers: ClinVar variation 4757495 (VCV004757495.1).